The following is an entry in ClinVar:

ClinVar aggregate classification (germline): Likely benign. Review status: criteria provided, multiple submitters, no conflicts (2 of 4 stars). 4 submissions from 4 submitters: Likely benign (4). Last evaluated 2025-06-02.

Conditions:
Hypertrophic cardiomyopathy. Also called: HYPERTROPHIC MYOCARDIOPATHY. Identifiers: Orphanet 217569, MedGen C0007194, MeSH D002312, MONDO:0005045, HP:0001639.

Allele frequency attached by ClinVar (database versions not stated): TOPMed 0.00002; gnomAD 0.00003; ExAC 0.00005.
gnomAD v4.1: 44 of 1,613,796 alleles (0.0027%); highest among the groups gnomAD compares: Non-Finnish European, 0.0034%; no homozygotes.

Submissions (4):

Labcorp Genetics (formerly Invitae), Labcorp
Classification: Likely benign for Hypertrophic cardiomyopathy. Last evaluated: 2025-06-02. Review status: criteria provided, single submitter. Criteria: Invitae Variant Classification Sherloc (09022015). Collection method: clinical testing. Allele origin: germline.

Ambry Genetics
Classification: Likely benign. Last evaluated: 2019-06-30. Review status: criteria provided, single submitter. Criteria: Ambry Variant Classification Scheme 2023. Collection method: clinical testing. Allele origin: germline.

Laboratory for Molecular Medicine, Mass General Brigham Personalized Medicine
Classification: Likely benign. Last evaluated: 2015-12-18. Review status: criteria provided, single submitter. Criteria: LMM Criteria. Collection method: clinical testing. Allele origin: germline. Observed: 1 variant allele.
Comment: p.Pro866Pro in exon 18 of MYOM1: This variant is not expected to have clinical s ignificance because it does not alter an amino acid residue and is not located w ithin the splice consensus sequence. It has been identified in 5/66732 of Europe an chromosomes by the Exome Aggregation Consortium (ExAC;dbSNP rs778413922).

Breakthrough Genomics
Classification: Likely benign. Review status: criteria provided, single submitter. Criteria: ACMG Guidelines, 2015. Collection method: not provided. Allele origin: germline. Inheritance: Unknown mechanism. Affected: yes.

NM_003803.4(MYOM1):c.2598G>A (p.Pro866=)

Gene: MYOM1 (myomesin 1; minus strand). Cytogenetic location: 18p11.31.
Variant type: single nucleotide variant.
Coding change: c.2598G>A on transcript NM_003803.4 (MANE Select); coding-DNA position 2598, G replaced by A.
Protein change: p.Pro866=; no amino-acid change (proline 866 retained).
Molecular consequence: synonymous variant. On other transcripts: intron variant (1).
Genome position (GRCh38, 1-based): chr18:3,129,428, C>T on the plus strand (G>A on the coding strand, the complement: MYOM1 is on the minus strand). VCF-style: chr18-3129428-C-T. GRCh37 (hg19) VCF-style: chr18-3129426-C-T.
Other names: c.2506+1947G>A (NM_019856.2).
Identifiers: ClinVar variation 227697 (VCV000227697.16), dbSNP rs778413922, ClinGen allele CA8874570.